The following is an entry in ClinVar:

ClinVar aggregate classification (germline): Uncertain significance (1 of 4 stars; one submission).

Conditions:
Early Myoclonic Encephalopathy. Identifiers: MedGen C0270855.

Submission:

Labcorp Genetics (formerly Invitae), Labcorp
Classification: Uncertain significance for Early Myoclonic Encephalopathy. Last evaluated: 2025-05-12. Review status: criteria provided, single submitter. Criteria: Invitae Variant Classification Sherloc (09022015). Collection method: clinical testing. Allele origin: germline.
Comment: This sequence change replaces serine, which is neutral and polar, with glycine, which is neutral and non-polar, at codon 473 of the KCND2 protein (p.Ser473Gly). This variant is not present in population databases (gnomAD no frequency). This variant has not been reported in the literature in individuals affected with KCND2-related conditions. ClinVar contains an entry for this variant (Variation ID: 1351092). Invitae Evidence Modeling of protein sequence and biophysical properties (such as structural, functional, and spatial information, amino acid conservation, physicochemical variation, residue mobility, and thermodynamic stability) indicates that this missense variant is not expected to disrupt KCND2 protein function with a negative predictive value of 95%. In summary, the available evidence is currently insufficient to determine the role of this variant in disease. Therefore, it has been classified as a Variant of Uncertain Significance.

NM_012281.3(KCND2):c.1417A>G (p.Ser473Gly)

Gene: KCND2 (potassium voltage-gated channel subfamily D member 2; plus strand). Cytogenetic location: 7q31.31.
Variant type: single nucleotide variant.
Coding change: c.1417A>G on transcript NM_012281.3 (MANE Select); coding-DNA position 1417, A replaced by G.
Protein change: p.Ser473Gly; replaces serine 473 with glycine.
Molecular consequence: missense variant.
Genome position (GRCh38, 1-based): chr7:120,742,552, A>G. VCF-style: chr7-120742552-A-G. GRCh37 (hg19) VCF-style: chr7-120382606-A-G.
Other names: short protein forms S473G.
Identifiers: ClinVar variation 1351092 (VCV001351092.8), dbSNP rs2116179219, ClinGen allele CA369134660.